The following is an entry in ClinVar:

ClinVar aggregate classification (germline): Uncertain significance (1 of 4 stars; one submission).

Allele frequency attached by ClinVar (database versions not stated): gnomAD exomes below 0.00001.
gnomAD v4.1: 2 of 1,612,060 alleles (0.00012%); highest among the groups gnomAD compares: African/African-American, 0.0013%; no homozygotes.

Submission:

Ambry Genetics
Classification: Uncertain significance. Last evaluated: 2023-12-23. Review status: criteria provided, single submitter. Criteria: Ambry Variant Classification Scheme 2023. Collection method: clinical testing. Allele origin: germline.
Comment: The p.H900Y variant (also known as c.2698C>T), located in coding exon 4 of the ALPK2 gene, results from a C to T substitution at nucleotide position 2698. The histidine at codon 900 is replaced by tyrosine, an amino acid with similar properties. This amino acid position is conserved. In addition, this alteration is predicted to be tolerated by in silico analysis. Since supporting evidence is limited at this time, the clinical significance of this alteration remains unclear.

NM_052947.4(ALPK2):c.2698C>T (p.His900Tyr)

Gene: ALPK2 (alpha kinase 2; minus strand). Cytogenetic location: 18q21.31.
Variant type: single nucleotide variant.
Coding change: c.2698C>T on transcript NM_052947.4 (MANE Select); coding-DNA position 2698, C replaced by T.
Protein change: p.His900Tyr; replaces histidine 900 with tyrosine.
Molecular consequence: missense variant.
Genome position (GRCh38, 1-based): chr18:58,537,489, G>A on the plus strand (C>T on the coding strand, the complement: ALPK2 is on the minus strand). VCF-style: chr18-58537489-G-A. GRCh37 (hg19) VCF-style: chr18-56204721-G-A.
Other names: short protein forms H900Y.
Identifiers: ClinVar variation 3228642 (VCV003228642.1), dbSNP rs1336495856, ClinGen allele CA402569971.
Genomic context (GRCh38, chr18:58,537,489, plus strand): 5'-GGTAGGTGGAATTCTCCACCTTGGCTAGATTTTCTCCTGTGGCACCTTCACTAGCTGTGT[G>A]TGAAATGTTCAAGGTGAAAGTACTGGTAAAAAGAGGGGACATGACTGAGTTGCCGTCCTT-3'
Protein context (NP_443179.3, residues 890-910): FTSTFTLNIS[His900Tyr]TASEGATGEN